The following is an entry in ClinVar:

NM_014345.3(ZNF318):c.5058T>C (p.Tyr1686=)

Gene: ZNF318 (zinc finger protein 318; minus strand). Cytogenetic location: 6p21.1.
Variant type: single nucleotide variant.
Coding change: c.5058T>C on transcript NM_014345.3 (MANE Select); coding-DNA position 5058, T replaced by C.
Protein change: p.Tyr1686=; no amino-acid change (tyrosine 1686 retained).
Molecular consequence: synonymous variant.
Genome position (GRCh38, 1-based): chr6:43,338,940, A>G on the plus strand (T>C on the coding strand, the complement: ZNF318 is on the minus strand). VCF-style: chr6-43338940-A-G. GRCh37 (hg19) VCF-style: chr6-43306678-A-G.
Identifiers: ClinVar variation 2656596 (VCV002656596.24), dbSNP rs113147071, ClinGen allele CA3821356.

ClinVar aggregate classification (germline): Likely benign (1 of 4 stars; one submission).

Allele frequency attached by ClinVar (database versions not stated): 1000 Genomes Project 0.00060; 1000 Genomes Project 30x 0.00062; TOPMed 0.00100; ESP Exome Variant Server 0.00146; gnomAD 0.00175; gnomAD exomes 0.00182; ExAC 0.00257.

Submission:

CeGaT Center for Human Genetics Tuebingen
Classification: Likely benign. Last evaluated: 2022-12-01. Review status: criteria provided, single submitter. Criteria: CeGaT Center For Human Genetics Tuebingen Variant Classification Criteria Version 2. Collection method: clinical testing. Allele origin: germline. Affected: yes. Observed: 1 variant allele.
Comment: ZNF318: BP4, BP7